The following is an entry in ClinVar:

NM_001365276.2(TNXB):c.6826G>A (p.Ala2276Thr)

Gene: TNXB (tenascin XB; minus strand). Cytogenetic location: 6p21.33.
Variant type: single nucleotide variant.
Coding change: c.6826G>A on transcript NM_001365276.2 (MANE Select); coding-DNA position 6826, G replaced by A.
Protein change: p.Ala2276Thr; replaces alanine 2276 with threonine.
Molecular consequence: missense variant.
Genome position (GRCh38, 1-based): chr6:32,064,836, C>T on the plus strand (G>A on the coding strand, the complement: TNXB is on the minus strand). VCF-style: chr6-32064836-C-T. GRCh37 (hg19) VCF-style: chr6-32032613-C-T.
Other names: c.7567G>A, p.Ala2523Thr (NM_001428335.1); c.6826G>A, p.Ala2276Thr (NM_019105.8); short protein forms A2523T, A2276T.
Identifiers: ClinVar variation 3459855 (VCV003459855.1).

ClinVar aggregate classification (germline): Uncertain significance (1 of 4 stars; one submission).

Conditions:
Cardiovascular phenotype. Identifiers: MedGen CN230736.

Submission:

Ambry Genetics
Classification: Uncertain significance for Cardiovascular phenotype. Last evaluated: 2024-10-24. Review status: criteria provided, single submitter. Criteria: Ambry Variant Classification Scheme 2023. Collection method: clinical testing. Allele origin: germline.
Comment: The p.A2276T variant (also known as c.6826G>A), located in coding exon 18 of the TNXB gene, results from a G to A substitution at nucleotide position 6826. The alanine at codon 2276 is replaced by threonine, an amino acid with similar properties. This amino acid position is conserved. In addition, this alteration is predicted to be tolerated by in silico analysis. Based on the available evidence, the clinical significance of this variant remains unclear.